The following is an entry in ClinVar:

NM_000051.4(ATM):c.5064A>G (p.Ile1688Met)

Gene: ATM (ATM serine/threonine kinase; plus strand). Cytogenetic location: 11q22.3.
Variant type: single nucleotide variant.
Coding change: c.5064A>G on transcript NM_000051.4 (MANE Select); coding-DNA position 5064, A replaced by G.
Protein change: p.Ile1688Met; replaces isoleucine 1688 with methionine.
Molecular consequence: missense variant.
Genome position (GRCh38, 1-based): chr11:108,299,772, A>G. VCF-style: chr11-108299772-A-G. GRCh37 (hg19) VCF-style: chr11-108170499-A-G.
Other names: c.5064A>G, p.Ile1688Met (NM_001351834.2); short protein forms I1688M.
Identifiers: ClinVar variation 2691255 (VCV002691255.5), dbSNP rs1565473763, ClinGen allele CA382540520.

ClinVar aggregate classification (germline): Uncertain significance. Review status: criteria provided, multiple submitters, no conflicts (2 of 4 stars). 3 submissions from 3 submitters: Uncertain significance (3). Last evaluated 2025-01-21.

Conditions:
Ataxia-telangiectasia syndrome (AT). Also called: AT, COMPLEMENTATION GROUP C; Ataxia telangiectasia (A-T); Cerebello-oculocutaneous telangiectasia; Immunodeficiency with ataxia telangiectasia; LOUIS-BAR SYNDROME; ATAXIA-TELANGIECTASIA, COMPLEMENTATION GROUP A. Identifiers: Orphanet 100, MedGen C0004135, MONDO:0008840, OMIM 208900.
Hereditary cancer-predisposing syndrome. Also called: Tumor predisposition; Hereditary neoplastic syndrome; Neoplastic Syndromes, Hereditary; Hereditary Cancer Syndrome. Identifiers: Orphanet 140162, MedGen C0027672, MeSH D009386, MONDO:0015356.
Familial cancer of breast. Also called: hereditary breast carcinoma; BREAST CANCER, FAMILIAL; Hereditary breast cancer. Identifiers: Orphanet 227535, MedGen C0346153, MONDO:0016419, OMIM 114480. Disease mechanism: loss of function.

Allele frequency attached by ClinVar (database versions not stated): gnomAD exomes below 0.00001.
gnomAD v4.1: 3 of 1,614,040 alleles (0.00019%); highest among the groups gnomAD compares: Non-Finnish European, 0.00025%; no homozygotes.

Submissions (3):

Labcorp Genetics (formerly Invitae), Labcorp
Classification: Uncertain significance for Ataxia-telangiectasia syndrome. Last evaluated: 2025-01-21. Review status: criteria provided, single submitter. Criteria: Invitae Variant Classification Sherloc (09022015). Collection method: clinical testing. Allele origin: germline.
Comment: This sequence change replaces isoleucine, which is neutral and non-polar, with methionine, which is neutral and non-polar, at codon 1688 of the ATM protein (p.Ile1688Met). This variant is not present in population databases (gnomAD no frequency). This variant has not been reported in the literature in individuals affected with ATM-related conditions. ClinVar contains an entry for this variant (Variation ID: 2691255). Invitae Evidence Modeling of protein sequence and biophysical properties (such as structural, functional, and spatial information, amino acid conservation, physicochemical variation, residue mobility, and thermodynamic stability) indicates that this missense variant is not expected to disrupt ATM protein function with a negative predictive value of 95%. In summary, the available evidence is currently insufficient to determine the role of this variant in disease. Therefore, it has been classified as a Variant of Uncertain Significance.

Ambry Genetics
Classification: Uncertain significance for Hereditary cancer-predisposing syndrome. Last evaluated: 2024-08-19. Review status: criteria provided, single submitter. Criteria: Ambry Variant Classification Scheme 2023. Collection method: clinical testing. Allele origin: germline.
Comment: The p.I1688M variant (also known as c.5064A>G), located in coding exon 33 of the ATM gene, results from an A to G substitution at nucleotide position 5064. The isoleucine at codon 1688 is replaced by methionine, an amino acid with highly similar properties. This amino acid position is conserved. In addition, this alteration is predicted to be tolerated by in silico analysis. Based on the available evidence, the clinical significance of this variant remains unclear.

KCCC/NGS Laboratory, Kuwait Cancer Control Center
Classification: Uncertain significance for Familial cancer of breast. Last evaluated: 2024-01-31. Review status: criteria provided, single submitter. Criteria: ACMG Guidelines, 2015. Collection method: clinical testing. Allele origin: germline. Inheritance: Autosomal dominant inheritance. Affected: yes. Observed: 1 heterozygote.
Comment: This sequence change replaces isoleucine with methionine at codon 1688 of the ATM protein (p.Ile1688Met). The isoleucine residue is poorly conserved (PhyloP=-0.11). This variant is not present in population database gnomAD nor reported in ClinVar database . This variant has not been reported in the literature in ATM associated conditions . In-silico prediction of this missense show that its tolerated . Therefore, it has been classified as a Variant of Uncertain Significance. Pathogenic/likely pathogenic mutations in the ATM gene cause susceptibility to breast cancer (OMIM 114480).